The following is an entry in ClinVar:

ClinVar aggregate classification (germline): Pathogenic/Likely pathogenic. Review status: criteria provided, multiple submitters, no conflicts (2 of 4 stars). 3 submissions from 3 submitters: Pathogenic (2); Likely pathogenic (1). Last evaluated 2024-05-14.

Conditions:
Phenylketonuria (PKU). Also called: Phenylketonurias; FOLLING DISEASE; OLIGOPHRENIA PHENYLPYRUVICA; Phenylketonuria (PKU). Identifiers: Orphanet 716, MedGen C0031485, MONDO:0009861, OMIM 261600. Disease mechanism: loss of function.

Submissions (3):

Natera, Inc.
Classification: Likely pathogenic for Phenylketonuria. Last evaluated: 2024-05-14. Review status: criteria provided, single submitter. Criteria: Natera Variant Classification Schema (03/2026). Collection method: clinical testing. Allele origin: germline.
Comment: The c.901del variant in PAH is a frameshift variant predicted to shift the reading frame beginning at codon 301 and leads to a stop codon 40 codons downstream. This variant is expected to result in nonsense mediated decay, truncation, or a dysfunctional protein product. This variant is rare in the general population with a frequency below the threshold expected for the associated phenotype(s). Given the available evidence, this variant is classified as Likely Pathogenic.

Myriad Genetics, Inc.
Classification: Pathogenic for Phenylketonuria. Last evaluated: 2024-01-23. Review status: criteria provided, single submitter. Criteria: Myriad Autosomal Dominant, Autosomal Recessive and X-Linked Classification Criteria (2023). Collection method: clinical testing. Allele origin: unknown.
Comment: NM_000277.1(PAH):c.901delC(Q301Sfs*40) is expected to be pathogenic in the context of phenylalanine hydroxylase deficiency. This variant is predicted to lead to an abnormal or absent protein product due to the creation of a premature termination codon in PAH, a gene where loss-of-function variants are known to be pathogenic. Please note: this variant was assessed in the context of healthy population screening.

Labcorp Genetics (formerly Invitae), Labcorp
Classification: Pathogenic for Phenylketonuria. Last evaluated: 2023-11-17. Review status: criteria provided, single submitter. Criteria: Invitae Variant Classification Sherloc (09022015). Collection method: clinical testing. Allele origin: germline.
Comment: This sequence change creates a premature translational stop signal (p.Gln301Serfs*40) in the PAH gene. It is expected to result in an absent or disrupted protein product. Loss-of-function variants in PAH are known to be pathogenic (PMID: 1301187, 9634518). This variant is not present in population databases (gnomAD no frequency). This variant has not been reported in the literature in individuals affected with PAH-related conditions. For these reasons, this variant has been classified as Pathogenic.

Literature cited by the submitters: PubMed 1301187 (cited by Labcorp Genetics (formerly Invitae), Labcorp); PubMed 9634518 (cited by Labcorp Genetics (formerly Invitae), Labcorp).

NM_000277.3(PAH):c.901del (p.Gln301fs)

Genes: PAH (phenylalanine hydroxylase; minus strand), LOC126861615 (CDK7 strongly-dependent group 2 enhancer GRCh37_chr12:103244689-103245888; plus strand). Cytogenetic location: 12q23.2.
Variant type: Deletion.
Coding change: c.901del on transcript NM_000277.3 (MANE Select); coding-DNA position 901, one base deleted (C; older notation c.901delC).
Protein change: p.Gln301fs; shifts the reading frame from glutamine 301.
Molecular consequence: frameshift variant.
Genome position (GRCh38, 1-based): chr12:102,851,698, G deleted on the plus strand (C on the coding strand, the reverse complement: PAH is on the minus strand); the first of 3 consecutive G bases (chr12:102,851,698-102,851,700); deleting any one gives the same sequence. VCF-style (leftmost placement, unchanged base first): chr12-102851697-TG-T. GRCh37 (hg19) VCF-style: chr12-103245475-TG-T.
Other names: c.901del, p.Gln301fs (NM_001354304.2); c.901del (NM_000277.2); short protein forms Q301fs.
Identifiers: ClinVar variation 2696437 (VCV002696437.5), dbSNP rs2499621854, ClinGen allele CA2697551512.